The following is an entry in ClinVar:

NM_004415.4(DSP):c.2878-4G>A

Gene: DSP (desmoplakin; plus strand). Cytogenetic location: 6p24.3.
Variant type: single nucleotide variant.
Coding change: c.2878-4G>A on transcript NM_004415.4 (MANE Select); 4 bases into the intron before coding-DNA position 2878, G replaced by A.
Molecular consequence: intron variant.
Genome position (GRCh38, 1-based): chr6:7,577,775, G>A. VCF-style: chr6-7577775-G-A. GRCh37 (hg19) VCF-style: chr6-7578008-G-A.
Other names: c.2878-4G>A (LRG_423t1, NM_001319034.2, NM_001008844.3).
Identifiers: ClinVar variation 357946 (VCV000357946.9), dbSNP rs758303966, ClinGen allele CA036027.

ClinVar aggregate classification (germline): Conflicting classifications of pathogenicity. Review status: criteria provided, conflicting classifications (1 of 4 stars). 5 submissions from 3 submitters: Uncertain significance (3); Likely benign (2). Last evaluated 2024-03-29.

Conditions:
Arrhythmogenic cardiomyopathy with wooly hair and keratoderma. Also called: PALMOPLANTAR KERATODERMA WITH LEFT VENTRICULAR CARDIOMYOPATHY AND WOOLLY HAIR; Carvajal syndrome; Dilated cardiomyopathy with woolly hair and keratoderma; Arrhythmogenic cardiomyopathy with woolly hair and keratoderma. Identifiers: Orphanet 65282, MedGen C1854063, MONDO:0011581, OMIM 605676.
Arrhythmogenic right ventricular dysplasia 8 (ARVD8). Also called: ARRHYTHMOGENIC RIGHT VENTRICULAR DYSPLASIA, FAMILIAL, 8; ARRHYTHMOGENIC RIGHT VENTRICULAR CARDIOMYOPATHY 8; Arrhythmogenic Right Ventricular Dysplasia/Cardiomyopathy 8. Identifiers: MedGen C1843896, MONDO:0011831, OMIM 607450.
Lethal acantholytic epidermolysis bullosa (EBLA). Identifiers: Orphanet 158687, MedGen C1864826, MONDO:0012323, OMIM 609638.
Woolly hair-skin fragility syndrome (WHSF). Identifiers: Orphanet 293165, MedGen C1843292, MONDO:0957307, OMIM 620415.

Allele frequency attached by ClinVar (database versions not stated): gnomAD 0.00001; gnomAD exomes 0.00001 and 0.00002; TOPMed 0.00001; ExAC 0.00003.
gnomAD v4.1: 16 of 1,611,626 alleles (0.00099%); highest among the groups gnomAD compares: South Asian, 0.013%; no homozygotes.

Submissions (5):

Labcorp Genetics (formerly Invitae), Labcorp
Classification: Likely benign for Arrhythmogenic cardiomyopathy with wooly hair and keratoderma; Arrhythmogenic right ventricular dysplasia 8. Last evaluated: 2024-03-29. Review status: criteria provided, single submitter. Criteria: Invitae Variant Classification Sherloc (09022015). Collection method: clinical testing. Allele origin: germline.

All of Us Research Program, National Institutes of Health
Classification: Likely benign for Arrhythmogenic cardiomyopathy with wooly hair and keratoderma. Last evaluated: 2023-11-02. Review status: criteria provided, single submitter. Criteria: ACMG Guidelines, 2015. Collection method: clinical testing. Allele origin: germline. Inheritance: Autosomal dominant inheritance. Observed: 1 variant allele, 1 heterozygote.
Comment: This study involves interpretation of variants in research participants for the purpose of population health screening. Participant phenotype was not available at the time of variant classification. Additional details can be found in publication PMID: 35346344, PMCID: PMC8962531

Illumina Laboratory Services, Illumina
Classification: Uncertain significance for Lethal acantholytic epidermolysis bullosa. Last evaluated: 2018-01-12. Review status: criteria provided, single submitter. Criteria: ICSL Variant Classification Criteria 13 December 2019. Collection method: clinical testing. Allele origin: germline.

Illumina Laboratory Services, Illumina
Classification: Uncertain significance for Arrhythmogenic right ventricular dysplasia 8. Last evaluated: 2018-01-12. Review status: criteria provided, single submitter. Criteria: ICSL Variant Classification Criteria 13 December 2019. Collection method: clinical testing. Allele origin: germline.

Illumina Laboratory Services, Illumina
Classification: Uncertain significance for Arrhythmogenic cardiomyopathy with wooly hair and keratoderma. Last evaluated: 2018-01-12. Review status: criteria provided, single submitter. Criteria: ICSL Variant Classification Criteria 13 December 2019. Collection method: clinical testing. Allele origin: germline.